The following is an entry in ClinVar:

ClinVar aggregate classification (germline): Uncertain significance (1 of 4 stars; one submission).

Conditions:
Pityriasis rubra pilaris (PRP). Also called: Pityriasis rubra pilaris--familial type. Identifiers: Orphanet 2897, MedGen C0032027, MONDO:0100017, OMIM 173200, MONDO:0008251.
Psoriasis 2. Identifiers: MedGen C1864497, MONDO:0011269, OMIM 602723.

Allele frequency attached by ClinVar (database versions not stated): TOPMed 0.00002.
gnomAD v4.1: 1 of 1,598,856 alleles (0.000063%); highest among the groups gnomAD compares: African/African-American, 0.0013%; no homozygotes.

Submission:

Labcorp Genetics (formerly Invitae), Labcorp
Classification: Uncertain significance for Pityriasis rubra pilaris; Psoriasis 2. Last evaluated: 2025-01-07. Review status: criteria provided, single submitter. Criteria: Invitae Variant Classification Sherloc (09022015). Collection method: clinical testing. Allele origin: germline.
Comment: This sequence change replaces serine, which is neutral and polar, with glycine, which is neutral and non-polar, at codon 983 of the CARD14 protein (p.Ser983Gly). This variant is not present in population databases (gnomAD no frequency). This variant has not been reported in the literature in individuals affected with CARD14-related conditions. ClinVar contains an entry for this variant (Variation ID: 1417310). Invitae Evidence Modeling of protein sequence and biophysical properties (such as structural, functional, and spatial information, amino acid conservation, physicochemical variation, residue mobility, and thermodynamic stability) indicates that this missense variant is not expected to disrupt CARD14 protein function with a negative predictive value of 95%. In summary, the available evidence is currently insufficient to determine the role of this variant in disease. Therefore, it has been classified as a Variant of Uncertain Significance.

NM_001366385.1(CARD14):c.2947A>G (p.Ser983Gly)

Genes: SGSH (N-sulfoglucosamine sulfohydrolase; minus strand), CARD14 (caspase recruitment domain family member 14; plus strand). Cytogenetic location: 17q25.3.
Variant type: single nucleotide variant.
Coding change: c.2947A>G on transcript NM_001366385.1 (MANE Select); coding-DNA position 2947, A replaced by G.
Protein change: p.Ser983Gly; replaces serine 983 with glycine.
Molecular consequence: missense variant. On other transcripts: non-coding transcript variant (1).
Genome position (GRCh38, 1-based): chr17:80,208,277, A>G. VCF-style: chr17-80208277-A-G. GRCh37 (hg19) VCF-style: chr17-78182076-A-G.
Other names: c.2947A>G, p.Ser983Gly (NM_024110.4); short protein forms S983G.
Identifiers: ClinVar variation 1417310 (VCV001417310.8), dbSNP rs2041462765, ClinGen allele CA401357702.